The following is an entry in ClinVar:

ClinVar aggregate classification (germline): Uncertain significance (1 of 4 stars; one submission).

Conditions:
Multiple endocrine neoplasia type 4. Also called: MULTIPLE ENDOCRINE NEOPLASIA, TYPE IV. Identifiers: Orphanet 276152, MedGen C1970712, MONDO:0012552, OMIM 610755.

Submission:

Labcorp Genetics (formerly Invitae), Labcorp
Classification: Uncertain significance for Multiple endocrine neoplasia type 4. Last evaluated: 2023-05-31. Review status: criteria provided, single submitter. Criteria: Invitae Variant Classification Sherloc (09022015). Collection method: clinical testing. Allele origin: germline.
Comment: This variant has not been reported in the literature in individuals affected with CDKN1B-related conditions. This variant is not present in population databases (gnomAD no frequency). This sequence change replaces glutamine, which is neutral and polar, with arginine, which is basic and polar, at codon 147 of the CDKN1B protein (p.Gln147Arg). In summary, the available evidence is currently insufficient to determine the role of this variant in disease. Therefore, it has been classified as a Variant of Uncertain Significance. An algorithm developed to predict the effect of missense changes on protein structure and function (PolyPhen-2) suggests that this variant is likely to be tolerated.

NM_004064.5(CDKN1B):c.440A>G (p.Gln147Arg)

Gene: CDKN1B (cyclin dependent kinase inhibitor 1B; plus strand). Cytogenetic location: 12p13.1.
Variant type: single nucleotide variant.
Coding change: c.440A>G on transcript NM_004064.5 (MANE Select); coding-DNA position 440, A replaced by G.
Protein change: p.Gln147Arg; replaces glutamine 147 with arginine.
Molecular consequence: missense variant.
Genome position (GRCh38, 1-based): chr12:12,718,279, A>G. VCF-style: chr12-12718279-A-G. GRCh37 (hg19) VCF-style: chr12-12871213-A-G.
Other names: short protein forms Q147R.
Identifiers: ClinVar variation 2792911 (VCV002792911.3), dbSNP rs1946499421, ClinGen allele CA383970796.